The following is an entry in ClinVar:

ClinVar aggregate classification (germline): Uncertain significance (1 of 4 stars; one submission).

Conditions:
Autosomal recessive ataxia, Beauce type. Also called: SYNE1 Deficiency; Spinocerebellar ataxia, autosomal recessive 8; ATAXIA, RECESSIVE, OF BEAUCE; SYNE1-Related Autosomal Recessive Cerebellar Ataxia. Identifiers: Orphanet 88644, MedGen C1853116, MONDO:0012549, OMIM 610743.
Emery-Dreifuss muscular dystrophy 4, autosomal dominant (EDMD4). Also called: EMERY-DREIFUSS MUSCULAR DYSTROPHY 4 WITH VARIABLE FEATURES. Identifiers: Orphanet 261, MedGen C2751807, MONDO:0013071, OMIM 612998.

Submission:

Labcorp Genetics (formerly Invitae), Labcorp
Classification: Uncertain significance for Emery-Dreifuss muscular dystrophy 4, autosomal dominant; Autosomal recessive ataxia, Beauce type. Last evaluated: 2022-05-16. Review status: criteria provided, single submitter. Criteria: Invitae Variant Classification Sherloc (09022015). Collection method: clinical testing. Allele origin: germline.
Comment: This variant has not been reported in the literature in individuals affected with SYNE1-related conditions. This sequence change falls in intron 83 of the SYNE1 gene. It does not directly change the encoded amino acid sequence of the SYNE1 protein. It affects a nucleotide within the consensus splice site. This variant is not present in population databases (gnomAD no frequency). Variants that disrupt the consensus splice site are a relatively common cause of aberrant splicing (PMID: 17576681, 9536098). Algorithms developed to predict the effect of sequence changes on RNA splicing suggest that this variant is not likely to affect RNA splicing. In summary, the available evidence is currently insufficient to determine the role of this variant in disease. Therefore, it has been classified as a Variant of Uncertain Significance.

Literature cited by the submitters: PubMed 17576681; PubMed 9536098.

NM_182961.4(SYNE1):c.16236+4A>C

Gene: SYNE1 (spectrin repeat containing nuclear envelope protein 1; minus strand). Cytogenetic location: 6q25.2.
Variant type: single nucleotide variant.
Coding change: c.16236+4A>C on transcript NM_182961.4 (MANE Select); 4 bases into the intron after coding-DNA position 16236, A replaced by C.
Molecular consequence: intron variant.
Genome position (GRCh38, 1-based): chr6:152,321,234, T>G on the plus strand (A>C on the coding strand, the complement: SYNE1 is on the minus strand). VCF-style: chr6-152321234-T-G. GRCh37 (hg19) VCF-style: chr6-152642369-T-G.
Other names: c.16023+4A>C (NM_033071.5).
Identifiers: ClinVar variation 1995293 (VCV001995293.4), dbSNP rs2484010603, ClinGen allele CA2580075225.